The following is an entry in ClinVar:

NM_006767.4(LZTR1):c.628C>T (p.Arg210Ter)

Gene: LZTR1 (leucine zipper like post translational regulator 1; plus strand). Cytogenetic location: 22q11.21.
Variant type: single nucleotide variant.
Coding change: c.628C>T on transcript NM_006767.4 (MANE Select); coding-DNA position 628, C replaced by T.
Protein change: p.Arg210Ter; replaces arginine 210 with a stop codon.
Molecular consequence: nonsense.
Genome position (GRCh38, 1-based): chr22:20,989,659, C>T. VCF-style: chr22-20989659-C-T. GRCh37 (hg19) VCF-style: chr22-21343948-C-T.
Other names: short protein forms R210*.
Identifiers: ClinVar variation 599030 (VCV000599030.71), dbSNP rs150419186, ClinGen allele CA10118525.
Genomic context (GRCh38, chr22:20,989,659, plus strand): 5'-GTCCTCACTGGTCTGTCCTAATACAGGTTGAATGACATGTGGACAATTGGCCTCCAGGAC[C>T]GAGAGCTCACCTGCTGGGAGGAGGTGAGGGGCGTGGGGAGCCAGGGCGCAGGTAGAGGAG-3'

ClinVar aggregate classification (germline): Pathogenic/Likely pathogenic. Review status: criteria provided, multiple submitters, no conflicts (2 of 4 stars). 18 submissions from 17 submitters: Pathogenic (16); Likely pathogenic (1). 1 of the submissions does not count toward it. Last evaluated 2026-09-01.

Conditions:
Noonan syndrome 2 (NS2). Identifiers: Orphanet 648, MedGen C1854469, MONDO:0011531, OMIM 605275.
LZTR1-related schwannomatosis. Also called: Schwannomatosis-2, susceptibility to; Schwannomatosis 2. Identifiers: Orphanet 93921, MedGen C3810283, MONDO:0014299, OMIM 615670.
Hereditary cancer-predisposing syndrome. Also called: Hereditary Cancer Syndrome; Neoplastic Syndromes, Hereditary; Tumor predisposition; Hereditary neoplastic syndrome. Identifiers: Orphanet 140162, MedGen C0027672, MeSH D009386, MONDO:0015356.
Fetal anomalies with a likely genetic cause.
Cardiovascular phenotype. Identifiers: MedGen CN230736.
LZTR1-related disorder. Also called: LZTR1-related disorders; LZTR1-related condition.
Noonan syndrome 10 (NS10). Identifiers: Orphanet 648, MedGen C4225280, MONDO:0014693, OMIM 616564.

Allele frequency attached by ClinVar (database versions not stated): ESP Exome Variant Server 0.00008; gnomAD 0.00010; TOPMed 0.00012.
gnomAD v4.1: 150 of 1,613,000 alleles (0.0093%); highest among the groups gnomAD compares: Middle Eastern, 0.016%; no homozygotes.

Submissions 1 to 12 of 18:

CeGaT Center for Human Genetics Tuebingen
Classification: Pathogenic. Last evaluated: 2026-09-01. Review status: criteria provided, single submitter. Criteria: CeGaT Center For Human Genetics Tuebingen Variant Classification Criteria Version 2. Collection method: clinical testing. Allele origin: germline. Affected: yes. Observed: 7 variant alleles.
Comment: LZTR1: PVS1, PM2:Supporting, PS4:Supporting

Genetics Laboratory, Great Ormond Street Hospital NHS Foundation Trust, North Thames Genomic Laboratory Hub
Classification: Pathogenic for Fetal anomalies with a likely genetic cause. Last evaluated: 2026-03-20. Review status: criteria provided, single submitter. Criteria: ACGS Best Practice Guidelines for Variant Classification in Rare Disease 2024 v1.2. Collection method: clinical testing. Allele origin: germline. Affected: yes.
Comment: PS4_moderate, PVS1_very-strong, PP1_supporting

Labcorp Genetics (formerly Invitae), Labcorp
Classification: Pathogenic. Last evaluated: 2026-01-26. Review status: criteria provided, single submitter. Criteria: Invitae Variant Classification Sherloc (09022015). Collection method: clinical testing. Allele origin: germline.
Comment: This sequence change creates a premature translational stop signal (p.Arg210*) in the LZTR1 gene. It is expected to result in an absent or disrupted protein product. Loss-of-function variants in LZTR1 are known to be pathogenic (PMID: 24362817, 25335493, 25480913, 25795793, 29469822, 30368668, 30442762, 30442766, 30481304, 30859559). This variant is present in population databases (rs150419186, gnomAD 0.01%). This premature translational stop signal has been observed in individual(s) with autosomal dominant schwannomatosis or autosomal recessive Noonan syndrome (PMID: 25335493, 29469822, 30859559). It has also been observed to segregate with disease in related individuals. ClinVar contains an entry for this variant (Variation ID: 599030). Algorithms developed to predict the effect of sequence changes on RNA splicing suggest that this variant may disrupt the consensus splice site. For these reasons, this variant has been classified as Pathogenic.

Institute for Genomic Medicine (IGM) Clinical Laboratory, Nationwide Children's Hospital
Classification: Pathogenic for LZTR1-related schwannomatosis. Last evaluated: 2025-09-23. Review status: criteria provided, single submitter. Criteria: ACMG Guidelines, 2015. Collection method: clinical testing. Allele origin: germline.
Comment: This variant is predicted to result in loss of function through nonsense-mediated decay of the encoded transcript or premature truncation of the encoded protein in a gene in which loss of function is a known mechanism of disease (ACMG/AMP: PVS1; PMIDs:24362817, 25335493, 25480913, 25795793, 29469822, 30368668, 30442762, 30442766, 30481304, 30859559). This variant has been reported at an elevated frequency in affected individuals/in multiple affected individuals in the literature (ACMG/AMP: PS4_Supporting; PMIDs:25335493, 30006736). This variant has been observed in trans with a pathogenic variant (ACMG/AMP: PM3; PMID:29469822). This variant has been reported to occur de novo in an affected individual in the literature without parental identity confirmed (ACMG/AMP: PM6; PMID:25335493).

PreventionGenetics, part of Exact Sciences
Classification: Pathogenic for LZTR1-related condition. Last evaluated: 2025-05-21. Review status: criteria provided, single submitter. Criteria: ACMG Guidelines, 2015. Collection method: clinical testing. Allele origin: germline.
Comment: The LZTR1 c.628C>T variant is predicted to result in premature protein termination (p.Arg210*). This variant has been reported in a patient with schwannomatosis and was listed as de novo (Paganini et al. 2015. PubMed ID: 25335493). It has also been reported in trans with another LZTR1 variant in unrelated patients with Noonan syndrome (Johnston et al. 2018. PubMed ID: 29469822; Pagnamenta et al. 2019. PubMed ID: 30859559). This variant is reported in 0.012% of alleles in individuals of African descent in gnomAD and has been interpreted as pathogenic in the ClinVar database. Nonsense variants in LZTR1 are expected to be pathogenic for autosomal recessive Noonan syndrome and autosomal dominant susceptibility to schwannomatosis. This variant is interpreted as pathogenic for autosomal recessive Noonan syndrome and autosomal dominant susceptibility to schwannomatosis. However, in the context of autosomal dominant Noonan syndrome it is of uncertain clinical significance.

Women's Health and Genetics/Laboratory Corporation of America, LabCorp
Classification: Pathogenic for Noonan syndrome 2. Last evaluated: 2025-04-07. Review status: criteria provided, single submitter. Criteria: LabCorp Variant Classification Summary - May 2015. Collection method: clinical testing. Allele origin: germline.
Comment: Variant summary: LZTR1 c.628C>T (p.Arg210X) results in a premature termination codon, predicted to cause a truncation of the encoded protein or absence of the protein due to nonsense mediated decay, which are commonly known mechanisms for disease. The variant allele was found at a frequency of 7.2e-05 in 250190 control chromosomes. This frequency is not significantly higher than estimated for a pathogenic variant in LZTR1 causing Noonan Syndrome 2 (7.2e-05 vs 0.0032), allowing no conclusion about variant significance. c.628C>T has been reported in the literature in individuals affected with Noonan Syndrome 2 (Johnston_2018). These data indicate that the variant is likely to be associated with disease. To our knowledge, no experimental evidence demonstrating an impact on protein function has been reported. The following publication have been ascertained in the context of this evaluation (PMID: 29469822). ClinVar contains an entry for this variant (Variation ID: 599030). Based on the evidence outlined above, the variant was classified as pathogenic for LZTR1-related conditions (AD Schwannomatosis, AD Noonan Syndrome, AR Noonan Syndrome).

Revvity Omics, Revvity
Classification: Pathogenic. Last evaluated: 2024-12-06. Review status: criteria provided, single submitter. Criteria: ACMG Guidelines, 2015. Collection method: clinical testing. Allele origin: germline.

Blueprint Genetics
Classification: Likely pathogenic for LZTR1-related disorders. Last evaluated: 2024-11-08. Review status: criteria provided, single submitter. Criteria: ACMG Guidelines, 2015. Collection method: clinical testing. Allele origin: germline. Affected: yes. Observed: 5 variant alleles.

Molecular Pathology, Peter Maccallum Cancer Centre
Classification: Pathogenic for Hereditary cancer-predisposing syndrome. Last evaluated: 2024-07-16. Review status: criteria provided, single submitter. Criteria: ACMG Guidelines, 2015. Collection method: clinical testing. Allele origin: germline.

Genomic Medicine Center of Excellence, King Faisal Specialist Hospital and Research Centre
Classification: Pathogenic for LZTR1-related schwannomatosis. Last evaluated: 2024-03-26. Review status: criteria provided, single submitter. Criteria: ACMG Guidelines, 2015. Collection method: clinical testing. Allele origin: germline.

Baylor Genetics
Classification: Pathogenic for LZTR1-related schwannomatosis. Last evaluated: 2024-03-24. Review status: criteria provided, single submitter. Criteria: ACMG Guidelines, 2015. Collection method: clinical testing. Allele origin: unknown.

Ambry Genetics
Classification: Pathogenic for Cardiovascular phenotype; Hereditary cancer-predisposing syndrome. Last evaluated: 2023-03-22. Review status: criteria provided, single submitter. Criteria: Ambry Variant Classification Scheme 2023. Collection method: clinical testing. Allele origin: germline.
Comment: The p.R210* pathogenic mutation (also known as c.628C>T), located in coding exon 7 of the LZTR1 gene, results from a C to T substitution at nucleotide position 628. This changes the amino acid from an arginine to a stop codon within coding exon 7. This alteration has been reported in several individuals with schwannomatosis as well as in patients with features of autosomal recessive Noonan syndrome (Paganini I et al. Eur. J. Hum. Genet. 2015 Jul;23:963-8; Gr&ouml;bner SN et al. Nature 2018 03;555:321-327; Johnston JJ et al. Genet. Med. 2018 10;20:1175-1185; Kehrer-Sawatzki H et al. Hum. Genet. 2018 Jul;137:543-552; Pagnamenta AT et al. Clin. Genet. 2019 Jun;95:693-703). In addition to the clinical data presented in the literature, this alteration is expected to result in loss of function by premature protein truncation or nonsense-mediated mRNA decay. Loss-of-function variants in LZTR1 are related to an increased risk for schwannomas and autosomal recessive Noonan syndrome; however, such associations with autosomal dominant Noonan syndrome have not been observed (Piotrowski A et al. Nat Genet. 2014 Feb;46:182-7; Yamamoto GL et al. J Med Genet. 2015 Jun;52:413-21; Johnston JJ et al. Genet Med. 2018 10;20:1175-1185). Based on the supporting evidence, this variant is pathogenic for an increased risk of LZTR1-related schwannomatosis (SWN) and would be expected to cause autosomal recessive Noonan syndrome when present along with a second pathogenic or likely pathogenic variant on the other allele; however, the association of this alteration with autosomal dominant Noonan syndrome is unlikely.